The following is an entry in ClinVar:

NM_000052.7(ATP7A):c.1558C>T (p.Leu520Phe)

Gene: ATP7A (ATPase copper transporting alpha; plus strand). Cytogenetic location: Xq21.1.
Variant type: single nucleotide variant.
Coding change: c.1558C>T on transcript NM_000052.7 (MANE Select); coding-DNA position 1558, C replaced by T.
Protein change: p.Leu520Phe; replaces leucine 520 with phenylalanine.
Molecular consequence: missense variant.
Genome position (GRCh38, 1-based): chrX:78,003,087, C>T. VCF-style: chrX-78003087-C-T. GRCh37 (hg19) VCF-style: chrX-77258584-C-T.
Other names: c.1558C>T, p.Leu520Phe (NM_001282224.2); c.1558C>T (NM_000052.4); short protein forms L520F.
Identifiers: ClinVar variation 649439 (VCV000649439.15), dbSNP rs1331470313, ClinGen allele CA413595203.

ClinVar aggregate classification (germline): Conflicting classifications of pathogenicity. Review status: criteria provided, conflicting classifications (1 of 4 stars). 5 submissions from 5 submitters: Uncertain significance (3); Likely benign (1). 1 of the submissions does not count toward it. Last evaluated 2026-01-28.

Conditions:
Cutis laxa, X-linked (OHS). Also called: EDS IX; Occipital horn syndrome. Identifiers: Orphanet 198, MedGen C0268353, MONDO:0010572, OMIM 304150.
X-linked distal spinal muscular atrophy type 3. Also called: ATP7A-Related Distal Motor Neuropathy; NEURONOPATHY, DISTAL HEREDITARY MOTOR, X-LINKED; NEUROPATHY, DISTAL HEREDITARY MOTOR, X-LINKED; SPINAL MUSCULAR ATROPHY, DISTAL, X-LINKED RECESSIVE. Identifiers: Orphanet 139557, MedGen C1845359, MONDO:0010338, OMIM 300489.
Menkes kinky-hair syndrome (MNK). Also called: Classic Menkes Disease; Menkes Disease; Copper transport disease. Identifiers: Orphanet 565, MedGen C0022716, MONDO:0010651, OMIM 309400.

Allele frequency attached by ClinVar (database versions not stated): gnomAD exomes below 0.00001 and 0.00001; TOPMed 0.00001.

Submissions (5):

Labcorp Genetics (formerly Invitae), Labcorp
Classification: Likely benign for X-linked distal spinal muscular atrophy type 3; Cutis laxa, X-linked; Menkes kinky-hair syndrome. Last evaluated: 2026-01-28. Review status: criteria provided, single submitter. Criteria: Invitae Variant Classification Sherloc (09022015). Collection method: clinical testing. Allele origin: germline.

GeneDx
Classification: Uncertain significance. Last evaluated: 2024-04-10. Review status: criteria provided, single submitter. Criteria: GeneDx Variant Classification Process June 2021. Collection method: clinical testing. Allele origin: germline. Affected: yes.
Comment: Has not been previously published as pathogenic or benign to our knowledge; In silico analysis supports that this missense variant has a deleterious effect on protein structure/function

ARUP Laboratories, Molecular Genetics and Genomics, ARUP Laboratories
Classification: Uncertain significance. Last evaluated: 2022-04-05. Review status: criteria provided, single submitter. Criteria: ARUP Molecular Germline Variant Investigation Process 2021. Collection method: clinical testing. Allele origin: germline.
Comment: The ATP7A c.1558C>T; p.Leu520Phe variant (rs1331470313), to our knowledge, is not reported in the medical literature but is reported in ClinVar (Variation ID: 649439). The variant is reported in the non-Finnish European population with an allele frequency of 0.002% (2/81,900 alleles including 1 hemizygote) in the Genome Aggregation Database. The leucine at codon 520 is moderately conserved and computational analyses predict that this variant is deleterious (REVEL: 0.702). However, given the lack of clinical and functional data, the significance of the p.Leu520Phe variant is uncertain at this time.

Fulgent Genetics
Classification: Uncertain significance for X-linked distal spinal muscular atrophy type 3; Cutis laxa, X-linked; Menkes kinky-hair syndrome. Last evaluated: 2021-11-17. Review status: criteria provided, single submitter. Criteria: ACMG Guidelines, 2015. Collection method: clinical testing. Allele origin: unknown.

Natera, Inc.
Classification: Uncertain significance for Menkes kinky hair syndrome. Last evaluated: 2021-03-23. Review status: no assertion criteria provided. Collection method: clinical testing. Allele origin: germline. Not counted in ClinVar's aggregate classification.